The following is an entry in ClinVar:

ClinVar aggregate classification (germline): Uncertain significance (1 of 4 stars; one submission).

Conditions:
Neuroblastoma, susceptibility to, 3. Also called: ALK-Related Neuroblastic Tumor Susceptibility. Identifiers: Orphanet 635, MedGen C2751681, MONDO:0013083, OMIM 613014.

Submission:

Labcorp Genetics (formerly Invitae), Labcorp
Classification: Uncertain significance for Neuroblastoma, susceptibility to, 3. Last evaluated: 2019-05-25. Review status: criteria provided, single submitter. Criteria: Invitae Variant Classification Sherloc (09022015). Collection method: clinical testing. Allele origin: germline.
Comment: The current clinical and genetic evidence is not sufficient to establish whether loss-of-function variants in ALK cause disease. In summary, the available evidence is currently insufficient to determine the role of this variant in disease. Therefore, it has been classified as a Variant of Uncertain Significance. This variant has not been reported in the literature in individuals with ALK-related conditions. This variant is not present in population databases (ExAC no frequency). This sequence change creates a premature translational stop signal (p.Val836Cysfs*3) in the ALK gene. It is expected to result in an absent or disrupted protein product.

NM_004304.5(ALK):c.2506del (p.Val836fs)

Gene: ALK (ALK receptor tyrosine kinase; minus strand). Cytogenetic location: 2p23.2.
Variant type: Deletion.
Coding change: c.2506del on transcript NM_004304.5 (MANE Select); coding-DNA position 2506, one base deleted (G; older notation c.2506delG).
Protein change: p.Val836fs; shifts the reading frame from valine 836.
Molecular consequence: frameshift variant.
Genome position (GRCh38, 1-based): chr2:29,232,430, C deleted on the plus strand (G on the coding strand, the reverse complement: ALK is on the minus strand); the first of 2 consecutive C bases (chr2:29,232,430-29,232,431); deleting either gives the same sequence. VCF-style (leftmost placement, unchanged base first): chr2-29232429-AC-A. GRCh37 (hg19) VCF-style: chr2-29455295-AC-A.
Other names: short protein forms V836fs.
Identifiers: ClinVar variation 943780 (VCV000943780.7), dbSNP rs1664240821, ClinGen allele CA1139656841.